The following is an entry in ClinVar:

NC_000001.10:g.(?_94543246)_(94544262_?)del

Gene: ABCA4 (ATP binding cassette subfamily A member 4; minus strand). Cytogenetic location: 1p22.1.
Variant type: Deletion.
Identifiers: ClinVar variation 1071270 (VCV001071270.6).

ClinVar aggregate classification (germline): Pathogenic (1 of 4 stars; one submission).

Submission:

Labcorp Genetics (formerly Invitae), Labcorp
Classification: Pathogenic. Last evaluated: 2021-08-31. Review status: criteria provided, single submitter. Criteria: Invitae Variant Classification Sherloc (09022015). Collection method: clinical testing. Allele origin: germline.
Comment: This variant is a gross deletion of the genomic region encompassing exon(s) 10-11 of the ABCA4 gene. This variant would be expected to be in-frame, preserving the integrity of the reading frame. A similar copy number variant has been observed in individuals with clinical features of Stargardt disease (PMID: 30670881; Invitae). This variant disrupts the p.Phe418 amino acid residue in ABCA4. Other variant(s) that disrupt this residue have been determined to be pathogenic (PMID: 28341476, 28559085, 29555955, 30834176). This suggests that this residue is clinically significant, and that variants that disrupt this residue are likely to be disease-causing. For these reasons, this variant has been classified as Pathogenic.

Literature cited by the submitters: PubMed 30670881; PubMed 28341476; PubMed 28559085; PubMed 29555955; PubMed 30834176.